The following is an entry in ClinVar:

NM_014780.5(CUL7):c.792G>A (p.Leu264=)

Gene: CUL7 (cullin 7; minus strand). Cytogenetic location: 6p21.1.
Variant type: single nucleotide variant.
Coding change: c.792G>A on transcript NM_014780.5 (MANE Select); coding-DNA position 792, G replaced by A.
Protein change: p.Leu264=; no amino-acid change (leucine 264 retained).
Molecular consequence: synonymous variant.
Genome position (GRCh38, 1-based): chr6:43,051,409, C>T on the plus strand (G>A on the coding strand, the complement: CUL7 is on the minus strand). VCF-style: chr6-43051409-C-T. GRCh37 (hg19) VCF-style: chr6-43019147-C-T.
Other names: c.888G>A, p.Leu296= (NM_001168370.2, NM_001374872.1); c.792G>A, p.Leu264= (NM_001374873.1, NM_001374874.1).
Identifiers: ClinVar variation 1910880 (VCV001910880.5), dbSNP rs993647881, ClinGen allele CA138251551.

ClinVar aggregate classification (germline): Uncertain significance (1 of 4 stars; one submission).

Allele frequency attached by ClinVar (database versions not stated): gnomAD exomes below 0.00001; gnomAD 0.00001; TOPMed 0.00004.
gnomAD v4.1: 2 of 1,614,008 alleles (0.00012%); highest among the groups gnomAD compares: Admixed American, 0.0033%; no homozygotes.

Submission:

Labcorp Genetics (formerly Invitae), Labcorp
Classification: Uncertain significance. Last evaluated: 2022-03-04. Review status: criteria provided, single submitter. Criteria: Invitae Variant Classification Sherloc (09022015). Collection method: clinical testing. Allele origin: germline.
Comment: This sequence change affects codon 264 of the CUL7 mRNA. It is a 'silent' change, meaning that it does not change the encoded amino acid sequence of the CUL7 protein. This variant is present in population databases (no rsID available, gnomAD 0.003%). In summary, the available evidence is currently insufficient to determine the role of this variant in disease. Therefore, it has been classified as a Variant of Uncertain Significance. Algorithms developed to predict the effect of sequence changes on RNA splicing suggest that this variant may create or strengthen a splice site. This variant has not been reported in the literature in individuals affected with CUL7-related conditions.